The following is an entry in ClinVar:

ClinVar aggregate classification (germline): Likely benign (0 of 4 stars; one submission).

Conditions:
NCOR2-related disorder. Also called: NCOR2-related condition.

Allele frequency attached by ClinVar (database versions not stated): gnomAD exomes 0.00005; gnomAD 0.00007; TOPMed 0.00011; ExAC 0.00018.
gnomAD v4.1: 98 of 1,612,952 alleles (0.0061%); highest among the groups gnomAD compares: East Asian, 0.078%; no homozygotes.

Submission:

PreventionGenetics, part of Exact Sciences
Classification: Likely benign for NCOR2-related condition. Last evaluated: 2023-01-03. Review status: no assertion criteria provided. Collection method: clinical testing. Allele origin: germline.
Comment: This variant is classified as likely benign based on ACMG/AMP sequence variant interpretation guidelines (Richards et al. 2015 PMID: 25741868, with internal and published modifications).

NM_006312.6(NCOR2):c.6041C>T (p.Ser2014Leu)

Gene: NCOR2 (nuclear receptor corepressor 2; minus strand). Cytogenetic location: 12q24.31.
Variant type: single nucleotide variant.
Coding change: c.6041C>T on transcript NM_006312.6 (MANE Select); coding-DNA position 6041, C replaced by T.
Protein change: p.Ser2014Leu; replaces serine 2014 with leucine.
Molecular consequence: missense variant.
Genome position (GRCh38, 1-based): chr12:124,336,827, G>A on the plus strand (C>T on the coding strand, the complement: NCOR2 is on the minus strand). VCF-style: chr12-124336827-G-A. GRCh37 (hg19) VCF-style: chr12-124821373-G-A.
Other names: c.6011C>T, p.Ser2004Leu (NM_001077261.4, NM_001206654.2); short protein forms S2004L, S2014L.
Identifiers: ClinVar variation 3041055 (VCV003041055.2), dbSNP rs762352790, ClinGen allele CA6867666.